The following is an entry in ClinVar:

NM_001372044.2(SHANK3):c.5396C>G (p.Ala1799Gly)

Gene: SHANK3 (SH3 and multiple ankyrin repeat domains 3; plus strand). Cytogenetic location: 22q13.33.
Variant type: single nucleotide variant.
Coding change: c.5396C>G on transcript NM_001372044.2 (MANE Select); coding-DNA position 5396, C replaced by G.
Protein change: p.Ala1799Gly; replaces alanine 1799 with glycine.
Molecular consequence: missense variant.
Genome position (GRCh38, 1-based): chr22:50,731,287, C>G. VCF-style: chr22-50731287-C-G. GRCh37 (hg19) VCF-style: chr22-51169715-C-G.
Other names: c.5171C>G, p.Ala1724Gly (NM_033517.1); short protein forms A1724G, A1799G.
Identifiers: ClinVar variation 2581786 (VCV002581786.1), dbSNP rs1255265826, ClinGen allele CA515268216.

ClinVar aggregate classification (germline): Uncertain significance (1 of 4 stars; one submission).

Allele frequency attached by ClinVar (database versions not stated): TOPMed below 0.00001; gnomAD 0.00001.

Submission:

GeneDx
Classification: Uncertain significance. Last evaluated: 2023-03-24. Review status: criteria provided, single submitter. Criteria: GeneDx Variant Classification Process June 2021. Collection method: clinical testing. Allele origin: germline. Affected: yes.
Comment: Not observed at significant frequency in large population cohorts (gnomAD); In silico analysis supports that this missense variant has a deleterious effect on protein structure/function; Has not been previously published as pathogenic or benign to our knowledge